The following is an entry in ClinVar:

NM_198999.3(SLC26A5):c.-53-2A>G

Gene: SLC26A5 (solute carrier family 26 member 5; minus strand). Cytogenetic location: 7q22.1.
Variant type: single nucleotide variant.
Coding change: c.-53-2A>G on transcript NM_198999.3 (MANE Select); the canonical splice acceptor site of the intron before 53 bases upstream of the start codon, A replaced by G.
Molecular consequence: splice acceptor variant.
Genome position (GRCh38, 1-based): chr7:103,421,569, T>C on the plus strand (A>G on the coding strand, the complement: SLC26A5 is on the minus strand). VCF-style: chr7-103421569-T-C. GRCh37 (hg19) VCF-style: chr7-103062016-T-C.
Other names: IVS2AS, A-G, -2; c.-53-2A>G (NM_206885.3, NM_001321787.2, NM_206884.3 and 2 more transcripts).
Identifiers: ClinVar variation 5289 (VCV000005289.45), dbSNP rs116900495, ClinGen allele CA117378.

ClinVar aggregate classification (germline): Benign/Likely benign. Review status: criteria provided, multiple submitters, no conflicts (2 of 4 stars). 7 submissions from 7 submitters: Benign (4); Likely benign (2). 1 of the submissions does not count toward it. Last evaluated 2023-09-08.

Conditions:
Autosomal recessive nonsyndromic hearing loss 61. Identifiers: Orphanet 90636, MedGen C3151230, MONDO:0013471, OMIM 613865.

Allele frequency attached by ClinVar (database versions not stated): 1000 Genomes Project 0.00379; 1000 Genomes Project 30x 0.00406; TOPMed 0.00721; gnomAD 0.00746 and 0.00748.
gnomAD v4.1: 17,620 of 1,583,898 alleles (1.1%); highest among the groups gnomAD compares: Non-Finnish European, 1.3%; 110 homozygotes.

Submissions (14):

ARUP Laboratories, Molecular Genetics and Genomics, ARUP Laboratories
Classification: Likely benign for Autosomal recessive nonsyndromic hearing loss 61. Last evaluated: 2023-09-08. Review status: criteria provided, single submitter. Criteria: ARUP Molecular Germline Variant Investigation Process 2024. Collection method: clinical testing. Allele origin: germline.

CeGaT Center for Human Genetics Tuebingen
Classification: Benign. Last evaluated: 2023-05-01. Review status: criteria provided, single submitter. Criteria: CeGaT Center For Human Genetics Tuebingen Variant Classification Criteria Version 2. Collection method: clinical testing. Allele origin: germline. Affected: yes. Observed: 2 variant alleles.
Comment: SLC26A5: BS1, BS2

Fulgent Genetics
Classification: Benign for Autosomal recessive nonsyndromic hearing loss 61. Last evaluated: 2021-12-27. Review status: criteria provided, single submitter. Criteria: ACMG Guidelines, 2015. Collection method: clinical testing. Allele origin: unknown.

GeneDx
Classification: Benign. Last evaluated: 2018-02-02. Review status: criteria provided, single submitter. Criteria: GeneDx Variant Classification (06012015). Collection method: clinical testing. Allele origin: germline. Affected: yes.
Comment: This variant is considered likely benign or benign based on one or more of the following criteria: it is a conservative change, it occurs at a poorly conserved position in the protein, it is predicted to be benign by multiple in silico algorithms, and/or has population frequency not consistent with disease.

Eurofins Ntd Llc (ga)
Classification: Benign. Last evaluated: 2017-05-05. Review status: criteria provided, single submitter. Criteria: EGL Classification Definitions 2015. Collection method: clinical testing. Allele origin: germline. Observed: 1 variant allele, 1 heterozygote.

Breakthrough Genomics
Classification: Likely benign. Review status: criteria provided, single submitter. Criteria: ACMG Guidelines, 2015. Collection method: not provided. Allele origin: germline. Inheritance: Autosomal recessive inheritance. Affected: yes.

OMIM
Classification: Uncertain significance for RECLASSIFIED - VARIANT OF UNKNOWN SIGNIFICANCE. Last evaluated: 2014-10-02. Review status: no assertion criteria provided. Collection method: literature only. Allele origin: germline. Not counted in ClinVar's aggregate classification.

Dr. Peter K. Rogan Lab, Western University
No classification provided (evidence only). Condition: Lung cancer. Review status: no classification provided. Collection method: in vitro. Allele origin: not applicable. Functional consequence: retained intron. Not counted in ClinVar's aggregate classification.

Dr. Peter K. Rogan Lab, Western University
No classification provided (evidence only). Condition: Thyroid cancer, nonmedullary, 1. Review status: no classification provided. Collection method: in vitro. Allele origin: not applicable. Functional consequence: retained intron. Not counted in ClinVar's aggregate classification.

Dr. Peter K. Rogan Lab, Western University
No classification provided (evidence only). Condition: Uterine corpus endometrial carcinoma. Review status: no classification provided. Collection method: in vitro. Allele origin: not applicable. Functional consequence: retained intron. Not counted in ClinVar's aggregate classification.

Dr. Peter K. Rogan Lab, Western University
No classification provided (evidence only). Condition: Sarcoma. Review status: no classification provided. Collection method: in vitro. Allele origin: not applicable. Functional consequence: retained intron. Not counted in ClinVar's aggregate classification.

Dr. Peter K. Rogan Lab, Western University
No classification provided (evidence only). Condition: Chronic lymphocytic leukemia/small lymphocytic lymphoma. Review status: no classification provided. Collection method: in vitro. Allele origin: not applicable. Functional consequence: retained intron. Not counted in ClinVar's aggregate classification.

Dr. Peter K. Rogan Lab, Western University
No classification provided (evidence only). Condition: Chronic lymphocytic leukemia/small lymphocytic lymphoma. Review status: no classification provided. Collection method: in vitro. Allele origin: not applicable. Functional consequence: retained intron. Not counted in ClinVar's aggregate classification.

Dr. Peter K. Rogan Lab, Western University
No classification provided (evidence only). Condition: Familial pancreatic carcinoma. Review status: no classification provided. Collection method: in vitro. Allele origin: not applicable. Functional consequence: retained intron. Not counted in ClinVar's aggregate classification.

Literature cited by the submitters: PubMed 16086836 (cited by OMIM); PubMed 25262649 (cited by OMIM); PubMed 12719379 (cited by OMIM).